The following is an entry in ClinVar:

ClinVar aggregate classification (germline): Uncertain significance (1 of 4 stars; one submission).

Conditions:
Inborn genetic diseases. Identifiers: MedGen C0950123, MeSH D030342.

Submission:

Ambry Genetics
Classification: Uncertain significance for Inborn genetic diseases. Last evaluated: 2022-04-04. Review status: criteria provided, single submitter. Criteria: Ambry Variant Classification Scheme 2023. Collection method: clinical testing. Allele origin: germline.
Comment: The p.A1406E variant (also known as c.4217C>A), located in coding exon 23 of the ATR gene, results from a C to A substitution at nucleotide position 4217. The alanine at codon 1406 is replaced by glutamic acid, an amino acid with dissimilar properties. This amino acid position is conserved. In addition, the in silico prediction for this alteration is inconclusive. Since supporting evidence is limited at this time, the clinical significance of this alteration remains unclear.

NM_001184.4(ATR):c.4217C>A (p.Ala1406Glu)

Gene: ATR (ATR checkpoint kinase; minus strand). Cytogenetic location: 3q23.
Variant type: single nucleotide variant.
Coding change: c.4217C>A on transcript NM_001184.4 (MANE Select); coding-DNA position 4217, C replaced by A.
Protein change: p.Ala1406Glu; replaces alanine 1406 with glutamic acid.
Molecular consequence: missense variant.
Genome position (GRCh38, 1-based): chr3:142,522,777, G>T on the plus strand (C>A on the coding strand, the complement: ATR is on the minus strand). VCF-style: chr3-142522777-G-T. GRCh37 (hg19) VCF-style: chr3-142241619-G-T.
Other names: c.4025C>A, p.Ala1342Glu (NM_001354579.2); short protein forms A1342E, A1406E.
Identifiers: ClinVar variation 1738783 (VCV001738783.2), dbSNP rs1474267384, ClinGen allele CA354801232.